The following is an entry in ClinVar:

ClinVar aggregate classification (germline): Likely benign. Review status: criteria provided, multiple submitters, no conflicts (2 of 4 stars). 2 submissions from 2 submitters: Likely benign (2). Last evaluated 2024-05-29.

Conditions:
Dilated cardiomyopathy 1O (CMD1O). Also called: CARDIOMYOPATHY, DILATED, WITH VENTRICULAR TACHYCARDIA. Identifiers: Orphanet 154, MedGen C1837839, MONDO:0012062, OMIM 608569.

Allele frequency attached by ClinVar (database versions not stated): gnomAD exomes below 0.00001 and 0.00001; TOPMed below 0.00001.
gnomAD v4.1: 20 of 1,610,396 alleles (0.0012%); highest among the groups gnomAD compares: Non-Finnish European, 0.0016%; no homozygotes.

Submissions (2):

Labcorp Genetics (formerly Invitae), Labcorp
Classification: Likely benign for Dilated cardiomyopathy 1O. Last evaluated: 2024-05-29. Review status: criteria provided, single submitter. Criteria: Invitae Variant Classification Sherloc (09022015). Collection method: clinical testing. Allele origin: germline.

GeneDx
Classification: Likely benign. Last evaluated: 2017-10-26. Review status: criteria provided, single submitter. Criteria: GeneDx Variant Classification (06012015). Collection method: clinical testing. Allele origin: germline. Affected: yes.
Comment: This variant is considered likely benign or benign based on one or more of the following criteria: it is a conservative change, it occurs at a poorly conserved position in the protein, it is predicted to be benign by multiple in silico algorithms, and/or has population frequency not consistent with disease.

NM_020297.4(ABCC9):c.3669+7T>A

Genes: ABCC9 (ATP binding cassette subfamily C member 9; minus strand), KCNJ8-AS1 (KCNJ8 antisense RNA 1; plus strand). Cytogenetic location: 12p12.1.
Variant type: single nucleotide variant.
Coding change: c.3669+7T>A on transcript NM_020297.4 (MANE Select); 7 bases into the intron after coding-DNA position 3669, T replaced by A.
Molecular consequence: intron variant.
Genome position (GRCh38, 1-based): chr12:21,828,951, A>T on the plus strand (T>A on the coding strand, the complement: ABCC9 is on the minus strand). VCF-style: chr12-21828951-A-T. GRCh37 (hg19) VCF-style: chr12-21981885-A-T.
Other names: c.2802+7T>A (NM_001377274.1); c.3669+7T>A (NM_005691.4, NM_001377273.1).
Identifiers: ClinVar variation 512890 (VCV000512890.9), dbSNP rs1183466743, ClinGen allele CA603680900.